The following is an entry in ClinVar:

ClinVar aggregate classification (germline): Likely benign (1 of 4 stars; one submission).

Allele frequency attached by ClinVar (database versions not stated): gnomAD exomes 0.00059; 1000 Genomes Project 0.00439; 1000 Genomes Project 30x 0.00468; gnomAD 0.00505 and 0.00548; TOPMed 0.00566.
gnomAD v4.1: 1,103 of 692,418 alleles (0.16%); highest among the groups gnomAD compares: African/African-American, 1.8%; 13 homozygotes.

Submission:

GeneDx
Classification: Likely benign. Last evaluated: 2018-06-14. Review status: criteria provided, single submitter. Criteria: GeneDx Variant Classification (06012015). Collection method: clinical testing. Allele origin: germline. Affected: yes.
Comment: This variant is considered likely benign or benign based on one or more of the following criteria: it is a conservative change, it occurs at a poorly conserved position in the protein, it is predicted to be benign by multiple in silico algorithms, and/or has population frequency not consistent with disease.

NM_001267550.2(TTN):c.6791-202T>C

Genes: TTN (titin; minus strand), LOC126806433 (BRD4-independent group 4 enhancer GRCh37_chr2:179638309-179639508; plus strand). Cytogenetic location: 2q31.2.
Variant type: single nucleotide variant.
Coding change: c.6791-202T>C on transcript NM_001267550.2 (MANE Select); 202 bases into the intron before coding-DNA position 6791, T replaced by C.
Molecular consequence: intron variant.
Genome position (GRCh38, 1-based): chr2:178,774,675, A>G on the plus strand (T>C on the coding strand, the complement: TTN is on the minus strand). VCF-style: chr2-178774675-A-G. GRCh37 (hg19) VCF-style: chr2-179639402-A-G.
Other names: c.6791-202T>C (NM_001256850.1, NM_133378.4, NM_133379.5); c.6653-202T>C (NM_003319.4, NM_133437.4, NM_133432.3).
Identifiers: ClinVar variation 675633 (VCV000675633.1), dbSNP rs113010478, ClinGen allele CA61007370.